The following is an entry in ClinVar:

ClinVar aggregate classification (germline): Uncertain significance (1 of 4 stars; one submission).

Conditions:
RASopathy. Also called: Noonan spectrum disorder; rasopathies. Identifiers: Orphanet 536391, MedGen C5555857, MONDO:0021060.

Submission:

Labcorp Genetics (formerly Invitae), Labcorp
Classification: Uncertain significance for RASopathy. Last evaluated: 2020-07-07. Review status: criteria provided, single submitter. Criteria: Invitae Variant Classification Sherloc (09022015). Collection method: clinical testing. Allele origin: germline.
Comment: This variant results in a copy number gain of the genomic region encompassing the full coding sequence of the MAP2K2 gene. The boundaries of this event are unknown as they extend beyond the assayed region for this gene and therefore may encompass additional genes. As the precise location of this event is unknown, it may be in tandem or it may be located elsewhere in the genome. Isolated whole-gene copy number gains of MAP2K2 have not been reported in the literature. However, larger copy number events that include this gene have been reported (PMID: 25974318). In summary, the available evidence is currently insufficient to determine the role of this variant in disease. Therefore, it has been classified as a Variant of Uncertain Significance.

Literature cited by the submitters: PubMed 25974318.

NC_000019.9:g.(?_4077097)_(4123882_?)dup

Gene: MAP2K2 (mitogen-activated protein kinase kinase 2; minus strand). Cytogenetic location: 19p13.3.
Variant type: Duplication.
Identifiers: ClinVar variation 1011850 (VCV001011850.1).